The following is an entry in ClinVar:

NM_019098.5(CNGB3):c.1252T>C (p.Phe418Leu)

Gene: CNGB3 (cyclic nucleotide gated channel subunit beta 3; minus strand). Cytogenetic location: 8q21.3.
Variant type: single nucleotide variant.
Coding change: c.1252T>C on transcript NM_019098.5 (MANE Select); coding-DNA position 1252, T replaced by C.
Protein change: p.Phe418Leu; replaces phenylalanine 418 with leucine.
Molecular consequence: missense variant.
Genome position (GRCh38, 1-based): chr8:86,632,820, A>G on the plus strand (T>C on the coding strand, the complement: CNGB3 is on the minus strand). VCF-style: chr8-86632820-A-G. GRCh37 (hg19) VCF-style: chr8-87645048-A-G.
Other names: short protein forms F418L.
Identifiers: ClinVar variation 2087149 (VCV002087149.4), dbSNP rs774891602, ClinGen allele CA4800093.

ClinVar aggregate classification (germline): Uncertain significance (1 of 4 stars; one submission).

Allele frequency attached by ClinVar (database versions not stated): ExAC 0.00001.

Submission:

Labcorp Genetics (formerly Invitae), Labcorp
Classification: Uncertain significance. Last evaluated: 2024-10-22. Review status: criteria provided, single submitter. Criteria: Invitae Variant Classification Sherloc (09022015). Collection method: clinical testing. Allele origin: germline.
Comment: This sequence change replaces phenylalanine, which is neutral and non-polar, with leucine, which is neutral and non-polar, at codon 418 of the CNGB3 protein (p.Phe418Leu). This variant is present in population databases (rs774891602, gnomAD 0.003%). This variant has not been reported in the literature in individuals affected with CNGB3-related conditions. ClinVar contains an entry for this variant (Variation ID: 2087149). Invitae Evidence Modeling of protein sequence and biophysical properties (such as structural, functional, and spatial information, amino acid conservation, physicochemical variation, residue mobility, and thermodynamic stability) indicates that this missense variant is not expected to disrupt CNGB3 protein function with a negative predictive value of 95%. In summary, the available evidence is currently insufficient to determine the role of this variant in disease. Therefore, it has been classified as a Variant of Uncertain Significance.